The following is an entry in ClinVar:

NM_003718.5(CDK13):c.3520G>A (p.Ala1174Thr)

Gene: CDK13 (cyclin dependent kinase 13; plus strand). Cytogenetic location: 7p14.1.
Variant type: single nucleotide variant.
Coding change: c.3520G>A on transcript NM_003718.5 (MANE Select); coding-DNA position 3520, G replaced by A.
Protein change: p.Ala1174Thr; replaces alanine 1174 with threonine.
Molecular consequence: missense variant.
Genome position (GRCh38, 1-based): chr7:40,093,069, G>A. VCF-style: chr7-40093069-G-A. GRCh37 (hg19) VCF-style: chr7-40132668-G-A.
Other names: c.3340G>A, p.Ala1114Thr (NM_031267.4); short protein forms A1114T, A1174T.
Identifiers: ClinVar variation 2840518 (VCV002840518.3), dbSNP rs2150547470, ClinGen allele CA367295192.

ClinVar aggregate classification (germline): Uncertain significance (1 of 4 stars; one submission).

Allele frequency attached by ClinVar (database versions not stated): gnomAD exomes below 0.00001.
gnomAD v4.1: 1 of 1,614,204 alleles (0.000062%); no homozygotes.

Submission:

Labcorp Genetics (formerly Invitae), Labcorp
Classification: Uncertain significance. Last evaluated: 2023-02-24. Review status: criteria provided, single submitter. Criteria: Invitae Variant Classification Sherloc (09022015). Collection method: clinical testing. Allele origin: germline.
Comment: In summary, the available evidence is currently insufficient to determine the role of this variant in disease. Therefore, it has been classified as a Variant of Uncertain Significance. Advanced modeling of protein sequence and biophysical properties (such as structural, functional, and spatial information, amino acid conservation, physicochemical variation, residue mobility, and thermodynamic stability) performed at Invitae indicates that this missense variant is not expected to disrupt CDK13 protein function. This variant has not been reported in the literature in individuals affected with CDK13-related conditions. This variant is not present in population databases (gnomAD no frequency). This sequence change replaces alanine, which is neutral and non-polar, with threonine, which is neutral and polar, at codon 1174 of the CDK13 protein (p.Ala1174Thr).